The following is an entry in ClinVar:

ClinVar aggregate classification (germline): Conflicting classifications of pathogenicity. Review status: criteria provided, conflicting classifications (1 of 4 stars). 3 submissions from 3 submitters: Uncertain significance (2); Likely benign (1). Last evaluated 2025-12-22.

Conditions:
Hereditary cancer-predisposing syndrome. Also called: Hereditary Cancer Syndrome; Tumor predisposition; Neoplastic Syndromes, Hereditary; Hereditary neoplastic syndrome. Identifiers: Orphanet 140162, MedGen C0027672, MeSH D009386, MONDO:0015356.
Gastrointestinal stromal tumor. Also called: Gastrointestinal stromal tumor, somatic; Gastrointestinal stroma tumor. Identifiers: Orphanet 44890, MedGen C0238198, MeSH D046152, MONDO:0011719, OMIM 606764, HP:0100723.
Polyps, multiple and recurrent inflammatory fibroid, gastrointestinal. Identifiers: MedGen C5193005, MONDO:0008285, OMIM 175510.

Allele frequency attached by ClinVar (database versions not stated): gnomAD exomes below 0.00001 and 0.00002; ExAC 0.00003; TOPMed 0.00003; gnomAD 0.00005 and 0.00006; ESP Exome Variant Server 0.00008.
gnomAD v4.1: 12 of 1,613,572 alleles (0.00074%); highest among the groups gnomAD compares: African/African-American, 0.011%; no homozygotes.

Submissions (3):

Labcorp Genetics (formerly Invitae), Labcorp
Classification: Uncertain significance for Gastrointestinal stromal tumor. Last evaluated: 2025-12-22. Review status: criteria provided, single submitter. Criteria: Invitae Variant Classification Sherloc (09022015). Collection method: clinical testing. Allele origin: germline.
Comment: This sequence change replaces glutamic acid, which is acidic and polar, with lysine, which is basic and polar, at codon 1065 of the PDGFRA protein (p.Glu1065Lys). This variant is present in population databases (rs369389595, gnomAD 0.02%). This variant has not been reported in the literature in individuals affected with PDGFRA-related conditions. ClinVar contains an entry for this variant (Variation ID: 573963). Invitae Evidence Modeling of protein sequence and biophysical properties (such as structural, functional, and spatial information, amino acid conservation, physicochemical variation, residue mobility, and thermodynamic stability) indicates that this missense variant is not expected to disrupt PDGFRA protein function with a negative predictive value of 80%. In summary, the available evidence is currently insufficient to determine the role of this variant in disease. Therefore, it has been classified as a Variant of Uncertain Significance.

Baylor Genetics
Classification: Uncertain significance for Polyps, multiple and recurrent inflammatory fibroid, gastrointestinal. Last evaluated: 2023-10-09. Review status: criteria provided, single submitter. Criteria: ACMG Guidelines, 2015. Collection method: clinical testing. Allele origin: unknown.

Ambry Genetics
Classification: Likely benign for Hereditary cancer-predisposing syndrome. Last evaluated: 2021-09-23. Review status: criteria provided, single submitter. Criteria: Ambry Variant Classification Scheme 2023. Collection method: clinical testing. Allele origin: germline.

NM_006206.6(PDGFRA):c.3193G>A (p.Glu1065Lys)

Gene: PDGFRA (platelet derived growth factor receptor alpha; plus strand). Cytogenetic location: 4q12.
Variant type: single nucleotide variant.
Coding change: c.3193G>A on transcript NM_006206.6 (MANE Select); coding-DNA position 3193, G replaced by A.
Protein change: p.Glu1065Lys; replaces glutamic acid 1065 with lysine.
Molecular consequence: missense variant.
Genome position (GRCh38, 1-based): chr4:54,295,195, G>A. VCF-style: chr4-54295195-G-A. GRCh37 (hg19) VCF-style: chr4-55161362-G-A.
Other names: c.3268G>A, p.Glu1090Lys (NM_001347828.2); c.3193G>A, p.Glu1065Lys (NM_001347829.2); c.3232G>A, p.Glu1078Lys (NM_001347830.2); short protein forms E1065K, E1090K, E1078K.
Identifiers: ClinVar variation 573963 (VCV000573963.10), dbSNP rs369389595, ClinGen allele CA2923055.